The following is an entry in ClinVar:

NM_000368.5(TSC1):c.2797G>A (p.Val933Ile)

Gene: TSC1 (TSC complex subunit 1; minus strand). Cytogenetic location: 9q34.13.
Variant type: single nucleotide variant.
Coding change: c.2797G>A on transcript NM_000368.5 (MANE Select); coding-DNA position 2797, G replaced by A.
Protein change: p.Val933Ile; replaces valine 933 with isoleucine.
Molecular consequence: missense variant. On other transcripts: non-coding transcript variant (5).
Genome position (GRCh38, 1-based): chr9:132,897,439, C>T on the plus strand (G>A on the coding strand, the complement: TSC1 is on the minus strand). VCF-style: chr9-132897439-C-T. GRCh37 (hg19) VCF-style: chr9-135772826-C-T.
Other names: c.2794G>A, p.Val932Ile (NM_001162426.2, NM_001406597.1, NM_001406598.1 and 2 more transcripts); c.2644G>A, p.Val882Ile (NM_001162427.2, NM_001406610.1); c.2434G>A, p.Val812Ile (NM_001362177.2, NM_001406614.1, NM_001406615.1 and 4 more transcripts); c.2797G>A, p.Val933Ile (NM_001406592.1, NM_001406593.1, NM_001406594.1 and 2 more transcripts); c.2782G>A, p.Val928Ile (NM_001406601.1, NM_001406602.1); c.2779G>A, p.Val927Ile (NM_001406603.1, NM_001406604.1); c.2755G>A, p.Val919Ile (NM_001406605.1, NM_001406606.1, NM_001406607.1); c.2752G>A, p.Val918Ile (NM_001406608.1, NM_001406609.1); and 8 more; short protein forms V582I, V616I, V797I, V812I, V867I, V881I, V932I, V919I.
Identifiers: ClinVar variation 2770203 (VCV002770203.3), dbSNP rs1845136906, ClinGen allele CA375369043.

ClinVar aggregate classification (germline): Uncertain significance (1 of 4 stars; one submission).

Conditions:
Tuberous sclerosis 1 (TSC1). Identifiers: Orphanet 805, MedGen C1854465, MONDO:0008612, OMIM 191100.

Submission:

Labcorp Genetics (formerly Invitae), Labcorp
Classification: Uncertain significance for Tuberous sclerosis 1. Last evaluated: 2024-02-29. Review status: criteria provided, single submitter. Criteria: Invitae Variant Classification Sherloc (09022015). Collection method: clinical testing. Allele origin: germline.
Comment: This sequence change replaces valine, which is neutral and non-polar, with isoleucine, which is neutral and non-polar, at codon 933 of the TSC1 protein (p.Val933Ile). This variant is not present in population databases (gnomAD no frequency). This variant has not been reported in the literature in individuals affected with TSC1-related conditions. Advanced modeling of protein sequence and biophysical properties (such as structural, functional, and spatial information, amino acid conservation, physicochemical variation, residue mobility, and thermodynamic stability) performed at Invitae indicates that this missense variant is not expected to disrupt TSC1 protein function with a negative predictive value of 95%. In summary, the available evidence is currently insufficient to determine the role of this variant in disease. Therefore, it has been classified as a Variant of Uncertain Significance.